The following is an entry in ClinVar:

NM_001205293.3(CACNA1E):c.2948+4A>G

Gene: CACNA1E (calcium voltage-gated channel subunit alpha1 E; plus strand). Cytogenetic location: 1q25.3.
Variant type: single nucleotide variant.
Coding change: c.2948+4A>G on transcript NM_001205293.3 (MANE Select); 4 bases into the intron after coding-DNA position 2948, A replaced by G.
Molecular consequence: intron variant.
Genome position (GRCh38, 1-based): chr1:181,733,038, A>G. VCF-style: chr1-181733038-A-G. GRCh37 (hg19) VCF-style: chr1-181702174-A-G.
Other names: c.2948+4A>G (NM_000721.4); c.2891+4A>G (NM_001205294.2).
Identifiers: ClinVar variation 1801168 (VCV001801168.2), dbSNP rs2528702973, ClinGen allele CA2580061579.

ClinVar aggregate classification (germline): Uncertain significance (1 of 4 stars; one submission).

Allele frequency attached by ClinVar (database versions not stated): gnomAD exomes below 0.00001.
gnomAD v4.1: 3 of 1,587,058 alleles (0.00019%); highest among the groups gnomAD compares: South Asian, 0.0035%; no homozygotes.

Submission:

GeneDx
Classification: Uncertain significance. Last evaluated: 2024-05-23. Review status: criteria provided, single submitter. Criteria: GeneDx Variant Classification Process June 2021. Collection method: clinical testing. Allele origin: germline.
Comment: Not observed at significant frequency in large population cohorts (gnomAD); In silico analysis supports a deleterious effect on splicing; Has not been previously published as pathogenic or benign to our knowledge